The following is an entry in ClinVar:

ClinVar aggregate classification (germline): Uncertain significance. Review status: criteria provided, multiple submitters, no conflicts (2 of 4 stars). 9 submissions from 9 submitters: Uncertain significance (9). Last evaluated 2026-07-30.

Conditions:
MYBPC3-related disorder. Also called: MYBPC3-related disorders; MYBPC3-related condition; MYBPC3-related disease.
Cardiovascular phenotype. Identifiers: MedGen CN230736.
Left ventricular noncompaction 10 (LVNC10). Identifiers: Orphanet 154, Orphanet 54260, MedGen C3715165, MONDO:0014163, OMIM 615396.
Hypertrophic cardiomyopathy 4. Also called: Familial hypertrophic cardiomyopathy 4. Identifiers: MedGen C1861862, MONDO:0007268, OMIM 115197.
Cardiomyopathy (CMYO). Also called: Cardiomyopathies. Identifiers: Orphanet 167848, MedGen C0878544, MONDO:0004994, HP:0001638. Inheritance: Various modes of inheritance.
Hypertrophic cardiomyopathy. Also called: HYPERTROPHIC MYOCARDIOPATHY. Identifiers: Orphanet 217569, MedGen C0007194, MeSH D002312, MONDO:0005045, HP:0001639.

Allele frequency attached by ClinVar (database versions not stated): gnomAD 0.00007 and 0.00005; TOPMed 0.00008; gnomAD exomes 0.00002; ExAC 0.00003.
gnomAD v4.1: 20 of 1,607,224 alleles (0.0012%); highest among the groups gnomAD compares: African/African-American, 0.023%; no homozygotes.

Submissions (9):

PreventionGenetics, part of Exact Sciences
Classification: Uncertain significance for MYBPC3-related condition. Last evaluated: 2026-07-30. Review status: criteria provided, single submitter. Criteria: ACMG Guidelines, 2015. Collection method: clinical testing. Allele origin: germline.
Comment: The MYBPC3 c.2765G>A variant is predicted to result in the amino acid substitution p.Gly922Glu. This variant was reported in an individual with hypertrophic cardiomyopathy (Supplementary Table S2, Thompson et al. 2021. PubMed ID: 33782553). This variant is reported in 0.021% of alleles in individuals of African descent in gnomAD. At this time, the clinical significance of this variant is uncertain due to the absence of conclusive functional and genetic evidence.

Labcorp Genetics (formerly Invitae), Labcorp
Classification: Uncertain significance for Hypertrophic cardiomyopathy. Last evaluated: 2025-11-07. Review status: criteria provided, single submitter. Criteria: Invitae Variant Classification Sherloc (09022015). Collection method: clinical testing. Allele origin: germline.
Comment: This sequence change replaces glycine, which is neutral and non-polar, with glutamic acid, which is acidic and polar, at codon 922 of the MYBPC3 protein (p.Gly922Glu). This variant is present in population databases (rs751224775, gnomAD 0.02%). This missense change has been observed in individual(s) with hypertrophic cardiomyopathy (PMID: 32841044, 33782553). ClinVar contains an entry for this variant (Variation ID: 454320). An algorithm developed to predict the effect of missense changes on protein structure and function outputs the following: PolyPhen-2: "Possibly Damaging". The glutamic acid amino acid residue is found in multiple mammalian species, which suggests that this missense change does not adversely affect protein function. In summary, the available evidence is currently insufficient to determine the role of this variant in disease. Therefore, it has been classified as a Variant of Uncertain Significance.

Color Diagnostics, LLC DBA Color Health
Classification: Uncertain significance for Cardiomyopathy. Last evaluated: 2025-07-15. Review status: criteria provided, single submitter. Criteria: ACMG Guidelines, 2015. Collection method: clinical testing. Allele origin: germline.
Comment: This missense variant replaces glycine with glutamic acid at codon 922 of the MYBPC3 protein. Computational prediction suggests that this variant may not impact protein structure and function. To our knowledge, functional studies have not been reported for this variant. This variant has been reported in an individual affected with hypertrophic cardiomyopathy (PMID: 32841044, 33782553). This variant has been identified in 6/274522 chromosomes in the general population by the Genome Aggregation Database (gnomAD). The available evidence is insufficient to determine the role of this variant in disease conclusively. Therefore, this variant is classified as a Variant of Uncertain Significance.

GeneDx
Classification: Uncertain significance. Last evaluated: 2025-05-14. Review status: criteria provided, single submitter. Criteria: GeneDx Variant Classification Process June 2021. Collection method: clinical testing. Allele origin: germline.
Comment: In silico analysis suggests that this missense variant does not alter protein structure/function; Observed in an individual with hypertrophic cardiomyopathy, but familial segregation information and additional clinical information were not included (PMID: 33782553); This variant is associated with the following publications: (PMID: 33782553, 32841044, 22958901)

Molecular Diagnostic Laboratory for Inherited Cardiovascular Disease, Montreal Heart Institute
Classification: Uncertain significance for Cardiovascular phenotype. Last evaluated: 2025-04-09. Review status: criteria provided, single submitter. Criteria: ACMG Guidelines, 2015. Collection method: clinical testing. Allele origin: germline. Affected: yes.
Comment: PM2;BP4

All of Us Research Program, National Institutes of Health
Classification: Uncertain significance for Hypertrophic cardiomyopathy. Last evaluated: 2024-08-06. Review status: criteria provided, single submitter. Criteria: ACMG Guidelines, 2015. Collection method: clinical testing. Allele origin: germline. Inheritance: Autosomal dominant inheritance. Observed: 2 variant alleles, 2 heterozygotes.
Comment: This missense variant replaces glycine with glutamic acid at codon 922 of the MYBPC3 protein. Computational prediction suggests that this variant may not impact protein structure and function (internally defined REVEL score threshold <= 0.5, PMID: 27666373). To our knowledge, functional studies have not been reported for this variant. This variant has been reported in an individual affected with hypertrophic cardiomyopathy (PMID: 32841044). This variant has been identified in 6/274522 chromosomes in the general population by the Genome Aggregation Database (gnomAD). The available evidence is insufficient to determine the role of this variant in disease conclusively. Therefore, this variant is classified as a Variant of Uncertain Significance.

This study involves interpretation of variants in research participants for the purpose of population health screening. Participant phenotype was not available at the time of variant classification. Additional details can be found in publication PMID: 35346344, PMCID: PMC8962531

Ambry Genetics
Classification: Uncertain significance for Cardiovascular phenotype. Last evaluated: 2024-08-05. Review status: criteria provided, single submitter. Criteria: Ambry Variant Classification Scheme 2023. Collection method: clinical testing. Allele origin: germline.
Comment: The p.G922E variant (also known as c.2765G>A), located in coding exon 27 of the MYBPC3 gene, results from a G to A substitution at nucleotide position 2765. The glycine at codon 922 is replaced by glutamic acid, an amino acid with similar properties. This alteration has been reported in the Sarcomeric Human Cardiomyopathy Registry (SHaRe) international database (Helms AS et al. Circ Genom Precis Med, 2020 10;13:396-405). Additionally, this variant has been reported in the Jackson Heart Study cohort; however, clinical details were limited (Bick AG et al. Am J Hum Genet, 2012 Sep;91:513-9). This amino acid position is well conserved in available vertebrate species. In addition, the in silico prediction for this alteration is inconclusive. Since supporting evidence is limited at this time, the clinical significance of this alteration remains unclear.

Illumina Laboratory Services, Illumina
Classification: Uncertain significance for Hypertrophic cardiomyopathy 4. Last evaluated: 2024-02-29. Review status: criteria provided, single submitter. Criteria: ISL SNV Classification Criteria 03 February 2026. Collection method: clinical testing. Allele origin: unknown.
Comment: The MYBPC3 c.2765G>A p.(Gly922Glu) missense variant has been observed in at least two individuals in literature with hypertrophic cardiomyopathy, however further clinical details and family history were not provided (PMID: 33782553; 22958901). This variant is not observed at a significant frequency in version 2.1.1 or version 4.0.0 of the Genome Aggregation Database. Based on the available evidence, the c.2765G>A p.(Gly922Glu) variant is classified as a variant of uncertain significance for hypertrophic cardiomyopathy.

Fulgent Genetics
Classification: Uncertain significance for Hypertrophic cardiomyopathy 4; Left ventricular noncompaction 10. Last evaluated: 2018-10-31. Review status: criteria provided, single submitter. Criteria: ACMG Guidelines, 2015. Collection method: clinical testing. Allele origin: unknown.

Literature cited by the submitters: PubMed 32841044 (cited by 4 submitters); PubMed 33782553 (cited by 3 submitters); PubMed 22958901 (cited by Ambry Genetics and Illumina Laboratory Services, Illumina).

NM_000256.3(MYBPC3):c.2765G>A (p.Gly922Glu)

Gene: MYBPC3 (myosin binding protein C3; minus strand). Cytogenetic location: 11p11.2.
Variant type: single nucleotide variant.
Coding change: c.2765G>A on transcript NM_000256.3 (MANE Select); coding-DNA position 2765, G replaced by A.
Protein change: p.Gly922Glu; replaces glycine 922 with glutamic acid.
Molecular consequence: missense variant.
Genome position (GRCh38, 1-based): chr11:47,335,182, C>T on the plus strand (G>A on the coding strand, the complement: MYBPC3 is on the minus strand). VCF-style: chr11-47335182-C-T. GRCh37 (hg19) VCF-style: chr11-47356733-C-T.
Other names: c.2765G>A, p.Gly922Glu (LRG_386t1); short protein forms G922E.
Identifiers: ClinVar variation 454320 (VCV000454320.20), dbSNP rs751224775, ClinGen allele CA078950.